The following is an entry in ClinVar:

NM_018112.3(TMEM38B):c.331C>T (p.Gln111Ter)

Gene: TMEM38B (transmembrane protein 38B; plus strand). Cytogenetic location: 9q31.2.
Variant type: single nucleotide variant.
Coding change: c.331C>T on transcript NM_018112.3 (MANE Select); coding-DNA position 331, C replaced by T.
Protein change: p.Gln111Ter; replaces glutamine 111 with a stop codon.
Molecular consequence: nonsense.
Genome position (GRCh38, 1-based): chr9:105,721,598, C>T. VCF-style: chr9-105721598-C-T. GRCh37 (hg19) VCF-style: chr9-108483879-C-T.
Other names: short protein forms Q111*.
Identifiers: ClinVar variation 2784416 (VCV002784416.3), dbSNP rs376474086, ClinGen allele CA5170846.

ClinVar aggregate classification (germline): Pathogenic (1 of 4 stars; one submission).

Allele frequency attached by ClinVar (database versions not stated): TOPMed below 0.00001; ExAC 0.00001; gnomAD 0.00001; ESP Exome Variant Server 0.00008.
gnomAD v4.1: 5 of 1,613,378 alleles (0.00031%); highest among the groups gnomAD compares: Non-Finnish European, 0.00042%; no homozygotes.

Submission:

Labcorp Genetics (formerly Invitae), Labcorp
Classification: Pathogenic. Last evaluated: 2023-06-29. Review status: criteria provided, single submitter. Criteria: Invitae Variant Classification Sherloc (09022015). Collection method: clinical testing. Allele origin: germline.
Comment: This sequence change creates a premature translational stop signal (p.Gln111*) in the TMEM38B gene. It is expected to result in an absent or disrupted protein product. Loss-of-function variants in TMEM38B are known to be pathogenic (PMID: 17611541, 23054245). This variant is not present in population databases (gnomAD no frequency). For these reasons, this variant has been classified as Pathogenic. This variant has not been reported in the literature in individuals affected with TMEM38B-related conditions.

Literature cited by the submitters: PubMed 17611541; PubMed 23054245.